The following is an entry in ClinVar:

NM_000053.4(ATP7B):c.4174del (p.His1391_Met1392insTer)

Gene: ATP7B (ATPase copper transporting beta; minus strand). Cytogenetic location: 13q14.3.
Variant type: Deletion.
Coding change: c.4174del on transcript NM_000053.4 (MANE Select); coding-DNA position 4174, one base deleted (A; older notation c.4174delA).
Protein change: p.His1391_Met1392insTer.
Molecular consequence: nonsense.
Genome position (GRCh38, 1-based): chr13:51,934,980, T deleted on the plus strand (A on the coding strand, the reverse complement: ATP7B is on the minus strand). VCF-style (leftmost placement, unchanged base first): chr13-51934979-AT-A. GRCh37 (hg19) VCF-style: chr13-52509115-AT-A.
Other names: c.3835del, p.His1278_Met1279insTer (NM_001406537.1); c.3796del, p.His1265_Met1266insTer (NM_001406538.1); c.3745del, p.His1248_Met1249insTer (NM_001406539.1); c.3727del, p.His1242_Met1243insTer (NM_001406540.1); c.3688del, p.His1229_Met1230insTer (NM_001406541.1, NM_001406542.1); c.3682del, p.His1227_Met1228insTer (NM_001406543.1); c.3592del, p.His1197_Met1198insTer (NM_001406544.1); c.3526del, p.His1175_Met1176insTer (NM_001406545.1); and 21 more.
Identifiers: ClinVar variation 4528917 (VCV004528917.1).
Genomic context (GRCh38, chr13:51,934,979, plus strand): 5'-TCCCGCCACCTGTCATCCATGCCTATGTGCACACTGACCTGGGATGCCGTCAGGGGCTTC[AT>A]GTGGCCATGCGCCTGTGCCTCATACCTCTCCAGGTCAGGCTTCTTATAGCTGGAAAGCAG-3'

ClinVar aggregate classification (germline): Likely pathogenic (1 of 4 stars; one submission).

Conditions:
Wilson disease (WND). Also called: Wilson's disease. Identifiers: Orphanet 905, MedGen C0019202, MONDO:0010200, OMIM 277900. Disease mechanism: loss of function.

Submission:

Dr. Moinak Lab, Sanjay Gandhi Postgraduate Institute of Medical Sciences
Classification: Likely pathogenic for Wilson disease. Last evaluated: 2024-04-29. Review status: criteria provided, single submitter. Criteria: ACMG Guidelines, 2015. Collection method: clinical testing. Allele origin: germline. Inheritance: Autosomal recessive inheritance. Affected: yes. Observed: 1 compound heterozygote.
Comment: ATP7B: c.4174del is a novel frameshift variant involving a single-nucleotide deletion in exon 21, likely leading to a truncated and non-functional protein

Literature cited by the submitters: PubMed 20301685.